The following is an entry in ClinVar:

NM_004818.3(DDX23):c.1046dup (p.Gln350fs)

Gene: DDX23 (DEAD-box helicase 23; minus strand). Cytogenetic location: 12q13.12.
Variant type: Duplication.
Coding change: c.1046dup on transcript NM_004818.3 (MANE Select); coding-DNA position 1046, one base duplicated (A; older notation c.1046dupA).
Protein change: p.Gln350fs; shifts the reading frame from glutamine 350.
Molecular consequence: frameshift variant.
Genome position (GRCh38, 1-based): chr12:48,836,759, T duplicated on the plus strand (A on the coding strand, the reverse complement: DDX23 is on the minus strand); the first of 2 consecutive T bases (chr12:48,836,759-48,836,760); duplicating either gives the same sequence. VCF-style (leftmost placement, unchanged base first): chr12-48836758-C-CT. GRCh37 (hg19) VCF-style: chr12-49230541-C-CT.
Other names: short protein forms Q350fs.
Identifiers: ClinVar variation 4071890 (VCV004071890.1).

ClinVar aggregate classification (germline): Uncertain significance (1 of 4 stars; one submission).

Submission:

GeneDx
Classification: Uncertain significance. Last evaluated: 2025-01-27. Review status: criteria provided, single submitter. Criteria: GeneDx Variant Classification Process June 2021. Collection method: clinical testing. Allele origin: germline. Affected: yes.
Comment: Not observed at significant frequency in large population cohorts (gnomAD); Frameshift variant predicted to result in protein truncation or nonsense mediated decay in a gene or region of a gene for which loss of function is not a well-established mechanism of disease; Has not been previously published as pathogenic or benign to our knowledge